The following continues an entry in ClinVar:

NM_001042492.3(NF1):c.3827G>A (p.Arg1276Gln)

Gene: NF1. ClinVar aggregate classification (germline): Pathogenic. Pathogenic (26).

Submissions 8 to 23 of 29:

3billion
Classification: Pathogenic for Neurofibromatosis, type 1. Last evaluated: 2025-07-28. Review status: criteria provided, single submitter. Criteria: ACMG Guidelines, 2015. Collection method: clinical testing. Allele origin: germline. Affected: yes.
Comment: The variant is observed at an extremely low frequency in the gnomAD v4.1.0 dataset (total allele frequency: <0.001%). Predicted Consequence/Location: The variant is located in a mutational hot spot and/or well-established functional domain in which established pathogenic variants have been reported (PMID: 16479075). In silico tool predictions suggest damaging effect of the variant on gene or gene product [REVEL: 0.89 (>=0.6, sensitivity 0.68 and specificity 0.92); 3Cnet: 0.99 (> 0.75, sensitivity 0.96 and precision 0.92)]. The same nucleotide change resulting in the same amino acid change has been previously reported as pathogenic/likely pathogenic with strong evidence (ClinVar ID: VCV000068341 /PMID: 10712197 /3billion dataset). The variant has been observed in multiple (>3) similarly affected unrelated individuals (PMID: 10712197, 15060124, 16479075). Different missense changes at the same codon (p.Arg1276Glu, p.Arg1276Gly, p.Arg1276Leu, p.Arg1276Pro) have been reported as pathogenic/likely pathogenic with strong evidence (ClinVar ID: VCV000000353, VCV000068340, VCV000694608 /PMID: 15060124, 31595648, 9668168 /3billion dataset). Therefore, this variant is classified as Pathogenic according to the recommendation of ACMG/AMP guideline.

NHS Central & South Genomic Laboratory Hub
Classification: Pathogenic for Neurofibromatosis type 1. Last evaluated: 2025-04-09. Review status: criteria provided, single submitter. Criteria: ACMG Guidelines, 2015. Collection method: clinical testing. Allele origin: germline. Affected: yes.

Victorian Clinical Genetics Services, Murdoch Childrens Research Institute
Classification: Pathogenic for Neurofibromatosis, type 1. Last evaluated: 2025-01-13. Review status: criteria provided, single submitter. Criteria: ACMG Guidelines, 2015. Collection method: clinical testing. Allele origin: germline. Affected: yes.
Comment: This variant is classified as Pathogenic. Evidence in support of pathogenic classification: Variant is present in gnomAD <0.001 for a dominant condition (v4: 3 heterozygote(s), 0 homozygote(s)); This variant has strong previous evidence of pathogenicity in unrelated individuals. This is a recurrent variant that has been previously reported as pathogenic in multiple patients with neurofibromatosis (ClinVar). Reports also suggest that this variant and other changes affecting the same residue are also associated to a distinct phenotype with Noonan-like features (PMID: 31595648); Comparable variants have very strong previous evidence for pathogenicity. Variants in the same codon resulting in changes to glycine, proline, leucine and glutamic acid, have also been shown to cause neurofibromatosis (PMID: 31595648; ClinVar); Missense variant predicted to be damaging by in silico tool(s) or highly conserved with a major amino acid change; Additional information: Variant is predicted to result in a missense amino acid change from arginine to glutamine; This variant is heterozygous; This gene is associated with autosomal dominant disease; Alternative amino acid change(s) at the same position are present in gnomAD (Highest alelle count: v4: 1 heterozygote(s), 0 homozygote(s)); Variant is located in an annotated domain (GAP-GRD, GTPase activating protein-related domain; PMID: 31595648); Loss of function is a known mechanism of disease in this gene and is associated with neurofibromatosis, type 1 (MONDO:0018975); Variants in this gene are known to have variable expressivity. Disease manifestation can be extremely variable, even within a family (PMID: 20301288).

Department of Neurology, Zibo Changguo Hospital
Classification: Pathogenic for Neurofibromatosis, type 1. Last evaluated: 2025-01-08. Review status: criteria provided, single submitter. Criteria: ACMG Guidelines, 2015. Collection method: clinical testing. Allele origin: de novo. Inheritance: Autosomal dominant inheritance. Affected: yes.
Comment: PS3, PS4, PM6_Strong, PM5, PM2_Supporting

ARUP Laboratories, Molecular Genetics and Genomics, ARUP Laboratories
Classification: Pathogenic. Last evaluated: 2025-01-02. Review status: criteria provided, single submitter. Criteria: ARUP Molecular Germline Variant Investigation Process 2024. Collection method: clinical testing. Allele origin: germline.
Comment: The NF1 c.3827G>A, p.Arg1276Gln variant (rs137854556) is reported in the literature in several individuals diagnosed with neurofibromatosis type I (Ben-Shachar 2013, Fahsold 2000, Jeong 2006, Koczkowska 2020, Mattocks 2004, Nemethova 2013). The p.Arg1276Gln variant is also reported in ClinVar (Variation ID: 68341), and is only observed on one allele in the Genome Aggregation Database (v2.1.1), indicating it is not a common polymorphism. Other missense variants at this position, p.Arg1276Gly and p.Arg1276Pro, have also been reported in individuals with neurofibromatosis type I (Fahsold 2000, Mattocks 2004) and are considered pathogenic. Functional characterization of the p.Arg1276Gln variant protein indicates a significant impairment in activating the catalysis of GTP bound to RAS proteins, resulting in an elevated level of activated RAS kinase (Ahmadian 1997, Thomas 2012). The arginine at residue 1276 is the catalytic residue for the GAP-related domain of NF1. Computational algorithms predict that this variant is deleterious (REVEL: 0.887), consistent with the functional studies. Based on the above information, the p.Arg1276Gln variant is classified as pathogenic. References: Ahmadian M et al. Confirmation of the arginine-finger hypothesis for the GAP-stimulated GTP-hydrolysis reaction of Ras. Nat Struct Biol. 1997; 4(9):686-9. PMID: 9302992. Ben-Shachar S et al. Increased rate of missense/in-frame mutations in individuals with NF1-related pulmonary stenosis: a novel genotype-phenotype correlation. Eur J Hum Genet. 2013; 21(5):535-9. PMID: 23047742. Fahsold R et al. Minor lesion mutational spectrum of the entire NF1 gene does not explain its high mutability but points to a functional domain upstream of the GAP-related domain. Am J Hum Genet. 2000; 66(3):790-818. PMID: 10712197. Jeong S et al. The spectrum of NF1 mutations in Korean patients with neurofibromatosis type 1. J Korean Med Sci. 2006; 21(1):107-12. PMID: 16479075. Koczkowska M et al. Clinical spectrum of individuals with pathogenic NF1 missense variants affecting p.Met1149, p.Arg1276, and p.Lys1423: genotype-phenotype study in neurofibromatosis type 1. Hum Mutat. 2020 Jan;41(1):299-315. PMID: 31595648. Mattocks C et al. Automated comparative sequence analysis identifies mutations in 89 percent of NF1 patients and confirms a mutation cluster in exons 11-17 distinct from the GAP related domain. J Med Genet. 2004; 41(4):e48. PMID: 15060124. Nemethova M et al. Thirty-nine novel neurofibromatosis 1 (NF1) gene mutations identified in Slovak patients. Ann Hum Genet. 2013; 77(5):364-79. PMID: 23758643. Thomas L et al. Assessment of the potential pathogenicity of missense mutations identified in the GTPase-activating protein (GAP)-related domain of the neurofibromatosis type-1 (NF1) gene. Hum Mutat. 2012; 33(12):1687-96. PMID: 22807134.

Blueprint Genetics
Classification: Pathogenic for NF1-related disorders. Last evaluated: 2024-11-04. Review status: criteria provided, single submitter. Criteria: ACMG Guidelines, 2015. Collection method: clinical testing. Allele origin: germline. Affected: yes. Observed: 5 variant alleles.

Mayo Clinic Laboratories, Mayo Clinic
Classification: Pathogenic. Last evaluated: 2023-12-20. Review status: criteria provided, single submitter. Criteria: ACMG Guidelines, 2015. Collection method: clinical testing. Allele origin: germline.
Comment: PP4, PM1, PM2_moderate, PS3, PS4_moderate

Genome-Nilou Lab
Classification: Pathogenic for Neurofibromatosis, type 1. Last evaluated: 2022-03-15. Review status: criteria provided, single submitter. Criteria: ACMG Guidelines, 2015. Collection method: clinical testing. Allele origin: germline. Affected: no.

GeneDx
Classification: Pathogenic. Last evaluated: 2022-03-07. Review status: criteria provided, single submitter. Criteria: GeneDx Variant Classification Process June 2021. Collection method: clinical testing. Allele origin: germline. Affected: yes.
Comment: Published functional studies demonstrate a damaging effect: R1276Q reduces or abolishes Ras activity in vitro (Thomas et al., 2012; Wallis et al., 2018); In silico analysis supports that this missense variant has a deleterious effect on protein structure/function; This variant is associated with the following publications: (PMID: 32107864, 24951259, 16479075, 27135912, 12522551, 23906300, 22807134, 23047742, 24803665, 22155606, 17311297, 15060124, 21142935, 27322474, 10712197, 27838393, 26607044, 29522274, 29804243, 31595648, 19221814, 23668869, 15863657, 23758643, 31776437, 25486365)

Centre of Medical Genetics, University Hospital Muenster
Classification: Pathogenic for Neurofibromatosis, type 1. Last evaluated: 2022-03-03. Review status: criteria provided, single submitter. Criteria: ACMG Guidelines, 2015. Collection method: clinical testing. Allele origin: germline. Affected: yes. Observed: 1 variant allele, 1 heterozygote.
Comment: ACMG categories: PS3,PM2,PM7,PP3,PP4,PP5

Revvity Omics, Revvity
Classification: Pathogenic. Last evaluated: 2020-11-18. Review status: criteria provided, single submitter. Criteria: ACMG Guidelines, 2015. Collection method: clinical testing. Allele origin: germline.

Genome Diagnostics Laboratory, The Hospital for Sick Children
Classification: Pathogenic for Neurofibromatosis, type 1. Last evaluated: 2020-10-26. Review status: criteria provided, single submitter. Criteria: ACMG Guidelines, 2015. Collection method: clinical testing. Allele origin: germline. Affected: yes.

CeGaT Center for Human Genetics Tuebingen
Classification: Pathogenic. Last evaluated: 2019-11-01. Review status: criteria provided, single submitter. Criteria: CeGaT Center For Human Genetics Tuebingen Variant Classification Criteria Version 2. Collection method: clinical testing. Allele origin: germline. Affected: yes. Observed: 2 variant alleles.

UAB Medical Genomics Laboratory, UAB Medicine
Classification: Pathogenic for Neurofibromatosis, type 1. Last evaluated: 2019-06-05. Review status: criteria provided, single submitter. Criteria: ACMG Guidelines, 2015. Collection method: clinical testing. Allele origin: inherited. Affected: yes.

Fulgent Genetics
Classification: Pathogenic for Neurofibromatosis, type 1; Neurofibromatosis, familial spinal; Café-au-lait macules with pulmonary stenosis; Neurofibromatosis-Noonan syndrome; Juvenile myelomonocytic leukemia. Last evaluated: 2018-10-31. Review status: criteria provided, single submitter. Criteria: ACMG Guidelines, 2015. Collection method: clinical testing. Allele origin: unknown.

Center for Human Genetics, Inc
Classification: Pathogenic for Neurofibromatosis, type 1. Last evaluated: 2016-11-01. Review status: criteria provided, single submitter. Criteria: ACMG Guidelines, 2015. Collection method: clinical testing. Allele origin: germline. Affected: yes.